The following is an entry in ClinVar:

NM_002474.3(MYH11):c.2277C>G (p.Asn759Lys)

Gene: MYH11 (myosin heavy chain 11; minus strand). Cytogenetic location: 16p13.11.
Variant type: single nucleotide variant.
Coding change: c.2277C>G on transcript NM_002474.3 (MANE Select); coding-DNA position 2277, C replaced by G.
Protein change: p.Asn759Lys; replaces asparagine 759 with lysine.
Molecular consequence: missense variant.
Genome position (GRCh38, 1-based): chr16:15,747,704, G>C on the plus strand (C>G on the coding strand, the complement: MYH11 is on the minus strand). VCF-style: chr16-15747704-G-C. GRCh37 (hg19) VCF-style: chr16-15841561-G-C.
Other names: c.2298C>G, p.Asn766Lys (NM_001040113.2, NM_001040114.2); c.2277C>G, p.Asn759Lys (NM_022844.3); c.2277C>G (NM_002474.2); c.2298C>G (NM_001040113.1); short protein forms N759K, N766K.
Identifiers: ClinVar variation 1036889 (VCV001036889.12), dbSNP rs140550319, ClinGen allele CA278636649.

ClinVar aggregate classification (germline): Uncertain significance. Review status: criteria provided, multiple submitters, no conflicts (2 of 4 stars). 5 submissions from 5 submitters: Uncertain significance (5). Last evaluated 2025-08-04.

Conditions:
MYH11-related disorder. Also called: MYH11-related condition.
Aortic aneurysm, familial thoracic 4 (AAT4). Also called: AORTIC ANEURYSM/AORTIC DISSECTION AND PATENT DUCTUS ARTERIOSUS. Identifiers: MedGen C1851504, MONDO:0007568, OMIM 132900.
Visceral myopathy 2. Identifiers: MedGen C5543466, MONDO:0859157, OMIM 619350.
Megacystis-microcolon-intestinal hypoperistalsis syndrome 2. Identifiers: MedGen C5543476, MONDO:0025708, OMIM 619351.
Familial thoracic aortic aneurysm and aortic dissection (TAAD). Also called: Thoracic aortic aneurysms and dissections. Identifiers: Orphanet 91387, MedGen C4707243, MONDO:0019625.

Allele frequency attached by ClinVar (database versions not stated): gnomAD exomes below 0.00001; TOPMed 0.00004; gnomAD 0.00007; ESP Exome Variant Server 0.00008.
gnomAD v4.1: 12 of 1,613,992 alleles (0.00074%); highest among the groups gnomAD compares: African/African-American, 0.016%; no homozygotes.

Submissions (5):

PreventionGenetics, part of Exact Sciences
Classification: Uncertain significance for MYH11-related condition. Last evaluated: 2025-08-04. Review status: criteria provided, single submitter. Criteria: ACMG Guidelines, 2015. Collection method: clinical testing. Allele origin: germline.
Comment: The MYH11 c.2298C>G variant is predicted to result in the amino acid substitution p.Asn766Lys. To our knowledge, this variant has not been reported in the literature. This variant is reported in 0.012% of alleles in individuals of African descent in gnomAD. At this time, the clinical significance of this variant is uncertain due to the absence of conclusive functional and genetic evidence.

Color Diagnostics, LLC DBA Color Health
Classification: Uncertain significance for Familial thoracic aortic aneurysm and aortic dissection. Last evaluated: 2024-08-26. Review status: criteria provided, single submitter. Criteria: ACMG Guidelines, 2015. Collection method: clinical testing. Allele origin: germline.
Comment: This missense variant replaces asparagine with lysine at codon 766 of the MYH11 protein. Computational prediction tools indicate that this variant's impact on protein structure and function is inconclusive. To our knowledge, functional studies have not been reported for this variant. This variant has not been reported in individuals affected with MYH11-related disorders in the literature. This variant has been identified in 3/282866 chromosomes in the general population by the Genome Aggregation Database (gnomAD). The available evidence is insufficient to determine the role of this variant in disease conclusively. Therefore, this variant is classified as a Variant of Uncertain Significance.

GeneDx
Classification: Uncertain significance. Last evaluated: 2023-03-24. Review status: criteria provided, single submitter. Criteria: GeneDx Variant Classification Process June 2021. Collection method: clinical testing. Allele origin: germline. Affected: yes.
Comment: Not observed at significant frequency in large population cohorts (gnomAD); In silico analysis supports that this missense variant has a deleterious effect on protein structure/function; Has not been previously published as pathogenic or benign to our knowledge

Fulgent Genetics
Classification: Uncertain significance for Aortic aneurysm, familial thoracic 4; Visceral myopathy 2; Megacystis-microcolon-intestinal hypoperistalsis syndrome 2. Last evaluated: 2021-09-29. Review status: criteria provided, single submitter. Criteria: ACMG Guidelines, 2015. Collection method: clinical testing. Allele origin: unknown.

Labcorp Genetics (formerly Invitae), Labcorp
Classification: Uncertain significance for Aortic aneurysm, familial thoracic 4. Last evaluated: 2020-06-15. Review status: criteria provided, single submitter. Criteria: Invitae Variant Classification Sherloc (09022015). Collection method: clinical testing. Allele origin: germline.
Comment: This sequence change replaces asparagine with lysine at codon 766 of the MYH11 protein (p.Asn766Lys). The asparagine residue is highly conserved and there is a moderate physicochemical difference between asparagine and lysine. This variant is not present in population databases (ExAC no frequency). This variant has not been reported in the literature in individuals with MYH11-related conditions. Algorithms developed to predict the effect of missense changes on protein structure and function (SIFT, PolyPhen-2, Align-GVGD) all suggest that this variant is likely to be disruptive, but these predictions have not been confirmed by published functional studies and their clinical significance is uncertain. Algorithms developed to predict the effect of sequence changes on RNA splicing suggest that this variant may create or strengthen a splice site, but this prediction has not been confirmed by published transcriptional studies. In summary, the available evidence is currently insufficient to determine the role of this variant in disease. Therefore, it has been classified as a Variant of Uncertain Significance.